The following is an entry in ClinVar:

ClinVar aggregate classification (germline): Uncertain significance (1 of 4 stars; one submission).

Conditions:
Gorlin syndrome. Also called: Basal cell nevus syndrome; Nevoid Basal Cell Carcinoma Syndrome. Identifiers: Orphanet 377, MedGen C0004779, MONDO:0007187.

Submission:

Labcorp Genetics (formerly Invitae), Labcorp
Classification: Uncertain significance for Gorlin syndrome. Last evaluated: 2018-08-29. Review status: criteria provided, single submitter. Criteria: Invitae Variant Classification Sherloc (09022015). Collection method: clinical testing. Allele origin: germline.
Comment: This sequence change replaces histidine with asparagine at codon 135 of the PTCH2 protein (p.His135Asn). The histidine residue is highly conserved and there is a small physicochemical difference between histidine and asparagine. Algorithms developed to predict the effect of missense changes on protein structure and function are either unavailable or do not agree on the potential impact of this missense change (SIFT: "Deleterious"; PolyPhen-2: "Possibly Damaging"; Align-GVGD: "Class C0"). This variant has not been reported in the literature in individuals with PTCH2-related disease. This variant is not present in population databases (ExAC no frequency). In summary, the available evidence is currently insufficient to determine the role of this variant in disease. Therefore, it has been classified as a Variant of Uncertain Significance.

NM_003738.5(PTCH2):c.403C>A (p.His135Asn)

Gene: PTCH2 (patched 2; minus strand). Cytogenetic location: 1p34.1.
Variant type: single nucleotide variant.
Coding change: c.403C>A on transcript NM_003738.5 (MANE Select); coding-DNA position 403, C replaced by A.
Protein change: p.His135Asn; replaces histidine 135 with asparagine.
Molecular consequence: missense variant.
Genome position (GRCh38, 1-based): chr1:44,832,204, G>T on the plus strand (C>A on the coding strand, the complement: PTCH2 is on the minus strand). VCF-style: chr1-44832204-G-T. GRCh37 (hg19) VCF-style: chr1-45297876-G-T.
Other names: c.403C>A, p.His135Asn (NM_001166292.2); short protein forms H135N.
Identifiers: ClinVar variation 651994 (VCV000651994.9), dbSNP rs1573653288, ClinGen allele CA340109078.